The following is an entry in ClinVar:

NM_004006.3(DMD):c.5735T>C (p.Ile1912Thr)

Gene: DMD (dystrophin; minus strand). Cytogenetic location: Xp21.1.
Variant type: single nucleotide variant.
Coding change: c.5735T>C on transcript NM_004006.3 (MANE Select); coding-DNA position 5735, T replaced by C.
Protein change: p.Ile1912Thr; replaces isoleucine 1912 with threonine.
Molecular consequence: missense variant.
Genome position (GRCh38, 1-based): chrX:32,343,138, A>G on the plus strand (T>C on the coding strand, the complement: DMD is on the minus strand). VCF-style: chrX-32343138-A-G. GRCh37 (hg19) VCF-style: chrX-32361255-A-G.
Other names: c.5711T>C, p.Ile1904Thr (NM_000109.4); c.5723T>C, p.Ile1908Thr (NM_004009.3); c.5366T>C, p.Ile1789Thr (NM_004010.3); c.1712T>C, p.Ile571Thr (NM_004011.4); c.1703T>C, p.Ile568Thr (NM_004012.4); short protein forms I1789T, I1912T, I571T, I568T, I1904T, I1908T.
Identifiers: ClinVar variation 1404120 (VCV001404120.8), dbSNP rs376375532, ClinGen allele CA10378614.

ClinVar aggregate classification (germline): Uncertain significance (1 of 4 stars; one submission).

Conditions:
Duchenne muscular dystrophy (DMD). Also called: MUSCULAR DYSTROPHY, PSEUDOHYPERTROPHIC PROGRESSIVE, DUCHENNE TYPE; Duchenne Muscular Dystrophy (DMD). Identifiers: Orphanet 98896, MedGen C0013264, MONDO:0010679, OMIM 310200.

Allele frequency attached by ClinVar (database versions not stated): ExAC 0.00001; ESP Exome Variant Server 0.00009.

Submission:

Labcorp Genetics (formerly Invitae), Labcorp
Classification: Uncertain significance for Duchenne muscular dystrophy. Last evaluated: 2024-06-29. Review status: criteria provided, single submitter. Criteria: Invitae Variant Classification Sherloc (09022015). Collection method: clinical testing. Allele origin: germline.
Comment: This sequence change replaces isoleucine, which is neutral and non-polar, with threonine, which is neutral and polar, at codon 1912 of the DMD protein (p.Ile1912Thr). This variant is present in population databases (rs376375532, gnomAD 0.001%). This variant has not been reported in the literature in individuals affected with DMD-related conditions. ClinVar contains an entry for this variant (Variation ID: 1404120). Advanced modeling of protein sequence and biophysical properties (such as structural, functional, and spatial information, amino acid conservation, physicochemical variation, residue mobility, and thermodynamic stability) performed at Invitae indicates that this missense variant is not expected to disrupt DMD protein function with a negative predictive value of 95%. In summary, the available evidence is currently insufficient to determine the role of this variant in disease. Therefore, it has been classified as a Variant of Uncertain Significance.